The following is an entry in ClinVar:

NM_002299.4(LCT):c.2542C>G (p.Leu848Val)

Gene: LCT (lactase; minus strand). Cytogenetic location: 2q21.3.
Variant type: single nucleotide variant.
Coding change: c.2542C>G on transcript NM_002299.4 (MANE Select); coding-DNA position 2542, C replaced by G.
Protein change: p.Leu848Val; replaces leucine 848 with valine.
Molecular consequence: missense variant.
Genome position (GRCh38, 1-based): chr2:135,809,805, G>C on the plus strand (C>G on the coding strand, the complement: LCT is on the minus strand). VCF-style: chr2-135809805-G-C. GRCh37 (hg19) VCF-style: chr2-136567375-G-C.
Other names: short protein forms L848V.
Identifiers: ClinVar variation 1425767 (VCV001425767.6), dbSNP rs772794521, ClinGen allele CA1888205.

ClinVar aggregate classification (germline): Uncertain significance (1 of 4 stars; one submission).

Allele frequency attached by ClinVar (database versions not stated): TOPMed below 0.00001; gnomAD exomes 0.00001 and 0.00004; ExAC 0.00004.
gnomAD v4.1: 10 of 1,614,158 alleles (0.00062%); highest among the groups gnomAD compares: East Asian, 0.022%; no homozygotes.

Submission:

Labcorp Genetics (formerly Invitae), Labcorp
Classification: Uncertain significance. Last evaluated: 2021-10-12. Review status: criteria provided, single submitter. Criteria: Invitae Variant Classification Sherloc (09022015). Collection method: clinical testing. Allele origin: germline.
Comment: This sequence change replaces leucine with valine at codon 848 of the LCT protein (p.Leu848Val). The leucine residue is weakly conserved and there is a small physicochemical difference between leucine and valine. This variant is present in population databases (rs772794521, ExAC 0.06%). This variant has not been reported in the literature in individuals affected with LCT-related conditions. Algorithms developed to predict the effect of missense changes on protein structure and function are either unavailable or do not agree on the potential impact of this missense change (SIFT: "Not Available"; PolyPhen-2: "Benign"; Align-GVGD: "Not Available"). In summary, the available evidence is currently insufficient to determine the role of this variant in disease. Therefore, it has been classified as a Variant of Uncertain Significance.